The following is an entry in ClinVar:

NM_000642.3(AGL):c.724C>T (p.Pro242Ser)

Gene: AGL (amylo-alpha-1,6-glucosidase and 4-alpha-glucanotransferase; plus strand). Cytogenetic location: 1p21.2.
Variant type: single nucleotide variant.
Coding change: c.724C>T on transcript NM_000642.3 (MANE Select); coding-DNA position 724, C replaced by T.
Protein change: p.Pro242Ser; replaces proline 242 with serine.
Molecular consequence: missense variant.
Genome position (GRCh38, 1-based): chr1:99,870,459, C>T. VCF-style: chr1-99870459-C-T. GRCh37 (hg19) VCF-style: chr1-100336015-C-T.
Other names: c.724C>T, p.Pro242Ser (NM_000028.3, NM_000643.3, NM_000644.3 and 3 more transcripts); c.676C>T, p.Pro226Ser (NM_000646.3); c.520C>T, p.Pro174Ser (NM_001425328.1, NM_001425329.1); c.346C>T, p.Pro116Ser (NM_001425332.1); short protein forms P226S, P242S, P116S, P174S.
Identifiers: ClinVar variation 1400327 (VCV001400327.3), dbSNP rs530123638, ClinGen allele CA341339515.
Genomic context (GRCh38, chr1:99,870,459, plus strand): 5'-GCTGCTAATAGTAAATGGATCCAGGAACATCCAGAATGTGCCTATAATCTTGTGAATTCT[C>T]CACACTTAAAACCTGCCTGGGTCTTAGACAGAGCACTTTGGCGTTTCTCCTGTGATGTTG-3'
Protein context (NP_000633.2, residues 232-252): PECAYNLVNS[Pro242Ser]HLKPAWVLDR

ClinVar aggregate classification (germline): Uncertain significance (1 of 4 stars; one submission).

Conditions:
Glycogen storage disease type III (GSD3). Also called: Cori disease; FORBES DISEASE. Identifiers: Orphanet 366, MedGen C0017922, MONDO:0009291, OMIM 232400.

Allele frequency attached by ClinVar (database versions not stated): TOPMed 0.00001.

Submission:

Labcorp Genetics (formerly Invitae), Labcorp
Classification: Uncertain significance for Glycogen storage disease type III. Last evaluated: 2021-10-04. Review status: criteria provided, single submitter. Criteria: Invitae Variant Classification Sherloc (09022015). Collection method: clinical testing. Allele origin: germline.
Comment: This sequence change replaces proline with serine at codon 242 of the AGL protein (p.Pro242Ser). The proline residue is highly conserved and there is a moderate physicochemical difference between proline and serine. This variant is not present in population databases (ExAC no frequency). This variant has not been reported in the literature in individuals with AGL-related conditions. Algorithms developed to predict the effect of missense changes on protein structure and function are either unavailable or do not agree on the potential impact of this missense change (SIFT: "Deleterious"; PolyPhen-2: "Probably Damaging"; Align-GVGD: "Class C0"). In summary, the available evidence is currently insufficient to determine the role of this variant in disease. Therefore, it has been classified as a Variant of Uncertain Significance.